The following is an entry in ClinVar:

ClinVar aggregate classification (germline): Uncertain significance (1 of 4 stars; one submission).

Conditions:
Hereditary nonpolyposis colorectal neoplasms. Identifiers: MedGen C0009405, MeSH D003123.

Submission:

Labcorp Genetics (formerly Invitae), Labcorp
Classification: Uncertain significance for Hereditary nonpolyposis colorectal neoplasms. Last evaluated: 2024-03-19. Review status: criteria provided, single submitter. Criteria: Invitae Variant Classification Sherloc (09022015). Collection method: clinical testing. Allele origin: germline.
Comment: This sequence change replaces proline, which is neutral and non-polar, with serine, which is neutral and polar, at codon 591 of the MSH6 protein (p.Pro591Ser). This variant is not present in population databases (gnomAD no frequency). This missense change has been observed in individual(s) with Lynch syndrome (PMID: 18307539). Advanced modeling of protein sequence and biophysical properties (such as structural, functional, and spatial information, amino acid conservation, physicochemical variation, residue mobility, and thermodynamic stability) has been performed at Invitae for this missense variant, however the output from this modeling did not meet the statistical confidence thresholds required to predict the impact of this variant on MSH6 protein function. In summary, the available evidence is currently insufficient to determine the role of this variant in disease. Therefore, it has been classified as a Variant of Uncertain Significance.

Literature cited by the submitters: PubMed 18307539.

NM_000179.3(MSH6):c.1771C>T (p.Pro591Ser)

Gene: MSH6 (mutS homolog 6; plus strand). Cytogenetic location: 2p16.3.
Variant type: single nucleotide variant.
Coding change: c.1771C>T on transcript NM_000179.3 (MANE Select); coding-DNA position 1771, C replaced by T.
Protein change: p.Pro591Ser; replaces proline 591 with serine.
Molecular consequence: missense variant.
Genome position (GRCh38, 1-based): chr2:47,799,754, C>T. VCF-style: chr2-47799754-C-T. GRCh37 (hg19) VCF-style: chr2-48026893-C-T.
Other names: c.1381C>T, p.Pro461Ser (NM_001281492.2); c.865C>T, p.Pro289Ser (NM_001281493.2, NM_001281494.2); short protein forms P591S, P289S, P461S.
Identifiers: ClinVar variation 3692963 (VCV003692963.2), dbSNP rs267608045.